The following is an entry in ClinVar:

NM_014639.4(SKIC3):c.1988A>G (p.Glu663Gly)

Gene: SKIC3 (SKI3 subunit of superkiller complex; minus strand). Cytogenetic location: 5q15.
Variant type: single nucleotide variant.
Coding change: c.1988A>G on transcript NM_014639.4 (MANE Select); coding-DNA position 1988, A replaced by G.
Protein change: p.Glu663Gly; replaces glutamic acid 663 with glycine.
Molecular consequence: missense variant.
Genome position (GRCh38, 1-based): chr5:95,522,077, T>C on the plus strand (A>G on the coding strand, the complement: SKIC3 is on the minus strand). VCF-style: chr5-95522077-T-C. GRCh37 (hg19) VCF-style: chr5-94857781-T-C.
Other names: short protein forms E663G.
Identifiers: ClinVar variation 3369185 (VCV003369185.1).

ClinVar aggregate classification (germline): Uncertain significance (1 of 4 stars; one submission).

Submission:

GeneDx
Classification: Uncertain significance. Last evaluated: 2024-02-15. Review status: criteria provided, single submitter. Criteria: GeneDx Variant Classification Process June 2021. Collection method: clinical testing. Allele origin: germline. Affected: yes.
Comment: Not observed at significant frequency in large population cohorts (gnomAD); In silico analysis supports that this missense variant does not alter protein structure/function; Has not been previously published as pathogenic or benign to our knowledge